The following is an entry in ClinVar:

ClinVar aggregate classification (germline): Uncertain significance (1 of 4 stars; one submission).

gnomAD v4.1: 2 of 1,613,706 alleles (0.00012%); highest among the groups gnomAD compares: African/African-American, 0.0027%; no homozygotes.

Submission:

Labcorp Genetics (formerly Invitae), Labcorp
Classification: Uncertain significance. Last evaluated: 2025-09-01. Review status: criteria provided, single submitter. Criteria: Invitae Variant Classification Sherloc (09022015). Collection method: clinical testing. Allele origin: germline.
Comment: This sequence change replaces histidine, which is basic and polar, with glutamine, which is neutral and polar, at codon 568 of the RPS6KC1 protein (p.His568Gln). This variant is not present in population databases (gnomAD no frequency). This variant has not been reported in the literature in individuals affected with RPS6KC1-related conditions. An algorithm developed to predict the effect of missense changes on protein structure and function outputs the following: PolyPhen-2: "Benign". The glutamine amino acid residue is found in multiple mammalian species, which suggests that this missense change does not adversely affect protein function. In summary, the available evidence is currently insufficient to determine the role of this variant in disease. Therefore, it has been classified as a Variant of Uncertain Significance.

NM_012424.6(RPS6KC1):c.1704C>A (p.His568Gln)

Gene: RPS6KC1 (ribosomal protein S6 kinase C1; plus strand). Cytogenetic location: 1q32.3.
Variant type: single nucleotide variant.
Coding change: c.1704C>A on transcript NM_012424.6 (MANE Select); coding-DNA position 1704, C replaced by A.
Protein change: p.His568Gln; replaces histidine 568 with glutamine.
Molecular consequence: missense variant. On other transcripts: non-coding transcript variant (4).
Genome position (GRCh38, 1-based): chr1:213,241,180, C>A. VCF-style: chr1-213241180-C-A. GRCh37 (hg19) VCF-style: chr1-213414523-C-A.
Other names: c.1668C>A, p.His556Gln (NM_001136138.4); c.1068C>A, p.His356Gln (NM_001287218.3, NM_001287219.3, NM_001349654.2); c.309C>A, p.His103Gln (NM_001287220.3, NM_001349663.2, NM_001349664.2 and 8 more transcripts); c.1161C>A, p.His387Gln (NM_001287221.3, NM_001349648.2, NM_001349649.2 and 4 more transcripts); c.1611C>A, p.His537Gln (NM_001349646.2); c.1341C>A, p.His447Gln (NM_001349647.2); c.813C>A, p.His271Gln (NM_001349657.2, NM_001349658.2); c.648C>A, p.His216Gln (NM_001349659.2, NM_001349660.2, NM_001349661.2 and 1 more transcripts); short protein forms H537Q, H568Q, H356Q, H387Q, H216Q, H447Q, H103Q, H271Q.
Identifiers: ClinVar variation 4724239 (VCV004724239.1).